The following is an entry in ClinVar:

ClinVar aggregate classification (germline): Likely benign. Review status: criteria provided, multiple submitters, no conflicts (2 of 4 stars). 2 submissions from 2 submitters: Likely benign (2). Last evaluated 2022-10-01.

Allele frequency attached by ClinVar (database versions not stated): gnomAD 0.00004 and 0.00005; gnomAD exomes 0.00006 and 0.00009; TOPMed 0.00006; ExAC 0.00007.
gnomAD v4.1: 86 of 1,613,924 alleles (0.0053%); highest among the groups gnomAD compares: East Asian, 0.073%; no homozygotes.

Submissions (2):

CeGaT Center for Human Genetics Tuebingen
Classification: Likely benign. Last evaluated: 2022-10-01. Review status: criteria provided, single submitter. Criteria: CeGaT Center For Human Genetics Tuebingen Variant Classification Criteria Version 2. Collection method: clinical testing. Allele origin: germline. Affected: yes. Observed: 1 variant allele.
Comment: AKAP8: BP4, BP7

Labcorp Genetics (formerly Invitae), Labcorp
Classification: Likely benign. Last evaluated: 2018-05-11. Review status: criteria provided, single submitter. Criteria: Invitae Variant Classification Sherloc (09022015). Collection method: clinical testing. Allele origin: germline.

NM_005858.4(AKAP8):c.2061C>T (p.Asp687=)

Gene: AKAP8 (A-kinase anchoring protein 8; minus strand). Cytogenetic location: 19p13.12.
Variant type: single nucleotide variant.
Coding change: c.2061C>T on transcript NM_005858.4 (MANE Select); coding-DNA position 2061, C replaced by T.
Protein change: p.Asp687=; no amino-acid change (aspartic acid 687 retained).
Molecular consequence: synonymous variant.
Genome position (GRCh38, 1-based): chr19:15,354,933, G>A on the plus strand (C>T on the coding strand, the complement: AKAP8 is on the minus strand). VCF-style: chr19-15354933-G-A. GRCh37 (hg19) VCF-style: chr19-15465744-G-A.
Identifiers: ClinVar variation 742225 (VCV000742225.27), dbSNP rs747113664, ClinGen allele CA9265760.